The following is an entry in ClinVar:

ClinVar aggregate classification (germline): Pathogenic (1 of 4 stars; one submission).

Conditions:
Cardiovascular phenotype. Identifiers: MedGen CN230736.

Submission:

Ambry Genetics
Classification: Pathogenic for Cardiovascular phenotype. Last evaluated: 2025-09-23. Review status: criteria provided, single submitter. Criteria: Ambry Variant Classification Scheme 2023. Collection method: clinical testing. Allele origin: germline.
Comment: The p.M1? pathogenic mutation (also known as c.1_2delAT) is located in coding exon 1 of the KCNH2 gene and results from an AT deletion at nucleotide position c.1_2. This alters the methionine residue at the initiation codon (ATG). This variant is considered to be rare based on population cohorts in the Genome Aggregation Database (gnomAD). This amino acid position is well conserved in available vertebrate species. Sequence variations that modify the initiation codon are expected to result in either loss of translation initiation, N-terminal truncation, or cause a shift in the mRNA reading frame. Based on the supporting evidence, this variant is interpreted as a disease-causing mutation.

NM_000238.4(KCNH2):c.1_2del (p.Met1fs)

Gene: KCNH2 (potassium voltage-gated channel subfamily H member 2; minus strand). Cytogenetic location: 7q36.1.
Variant type: Deletion.
Coding change: c.1_2del on transcript NM_000238.4 (MANE Select); coding-DNA positions 1 to 2, 2 bases deleted (AT; older notation c.1_2delAT).
Protein change: p.Met1fs; shifts the reading frame from methionine 1.
Molecular consequence: frameshift variant, initiator codon variant. On other transcripts: non-coding transcript variant (1).
Genome position (GRCh38, 1-based): chr7:150,977,912-150,977,913, AT deleted on the plus strand (AT on the coding strand, the reverse complement: KCNH2 is on the minus strand). VCF-style (leftmost placement, unchanged base first): chr7-150977911-CAT-C. GRCh37 (hg19) VCF-style: chr7-150674999-CAT-C.
Other names: c.1_2del, p.Met1fs (NM_172056.3); short protein forms M1fs.
Identifiers: ClinVar variation 4614346 (VCV004614346.1).
Genomic context (GRCh38, chr7:150,977,911, plus strand): 5'-CTTGCGGATGATGGTGTCCAGGAAGGTGTTCTGCGGCGCGACGTGGCCCCTCCGCACCGG[CAT>C]CCTGAGCCCATGGGCGGGCCGGGCGGGCCCCCACCCACCCCGGCCCGGCCCGGCCCAGCA-3'